The following is an entry in ClinVar:

NM_001042492.3(NF1):c.5101A>C (p.Lys1701Gln)

Gene: NF1 (neurofibromin 1; plus strand). Cytogenetic location: 17q11.2.
Variant type: single nucleotide variant.
Coding change: c.5101A>C on transcript NM_001042492.3 (MANE Select); coding-DNA position 5101, A replaced by C.
Protein change: p.Lys1701Gln; replaces lysine 1701 with glutamine.
Molecular consequence: missense variant.
Genome position (GRCh38, 1-based): chr17:31,326,085, A>C. VCF-style: chr17-31326085-A-C. GRCh37 (hg19) VCF-style: chr17-29653103-A-C.
Other names: c.5038A>C, p.Lys1680Gln (NM_000267.4); short protein forms K1680Q, K1701Q.
Identifiers: ClinVar variation 231648 (VCV000231648.3), dbSNP rs876659279, ClinGen allele CA10580336.

ClinVar aggregate classification (germline): Uncertain significance (1 of 4 stars; one submission).

Conditions:
Hereditary cancer-predisposing syndrome. Also called: Neoplastic Syndromes, Hereditary; Tumor predisposition; Hereditary Cancer Syndrome; Hereditary neoplastic syndrome. Identifiers: Orphanet 140162, MedGen C0027672, MeSH D009386, MONDO:0015356.

Submission:

Ambry Genetics
Classification: Uncertain significance for Hereditary cancer-predisposing syndrome. Last evaluated: 2015-05-01. Review status: criteria provided, single submitter. Criteria: Ambry Autosomal Dominant and X-Linked criteria (10/2015). Collection method: clinical testing. Allele origin: germline. Observed: 1 variant allele.
Comment: Thep.K1701Q variant (also known as c.5101A>C), located in coding exon 37 of theNF1 gene, results from an A to C substitution at nucleotide position 5101. The lysine at codon 1701 is replaced by glutamine, an amino acid with similar properties. This variant was not reported in population based cohorts in the following databases: Database of Single Nucleotide Polymorphisms (dbSNP), NHLBI Exome Sequencing Project (ESP), and 1000 Genomes Project. In the ESP, this variant was not observed in 6503 samples (13006 alleles) with coverage at this position. To date, this alteration has been detected with an allele frequency of approximately 0.002% (greater than 55000 alleles tested) in our clinical cohort. This amino acid position is highly conserved in available vertebrate species. In addition, this alteration is predicted to be possibly damaging and deleterious by PolyPhen and SIFTinsilico analyses, respectively. Since supporting evidence is limited at this time, the clinical significance of p.K1701Q remains unclear.